The following is an entry in ClinVar:

NM_001012614.2(CTBP1):c.906C>T (p.Thr302=)

Genes: CTBP1-AS (CTBP1 antisense RNA; plus strand), CTBP1 (C-terminal binding protein 1; minus strand). Cytogenetic location: 4p16.3.
Variant type: single nucleotide variant.
Coding change: c.906C>T on transcript NM_001012614.2 (MANE Select); coding-DNA position 906, C replaced by T.
Protein change: p.Thr302=; no amino-acid change (threonine 302 retained).
Molecular consequence: synonymous variant.
Genome position (GRCh38, 1-based): chr4:1,213,560, G>A on the plus strand (C>T on the coding strand, the complement: CTBP1 is on the minus strand). VCF-style: chr4-1213560-G-A. GRCh37 (hg19) VCF-style: chr4-1207348-G-A.
Other names: c.939C>T, p.Thr313= (NM_001328.3, NM_001377186.1); c.906C>T, p.Thr302= (NM_001377187.1, NM_001377188.1, NM_001377189.1 and 4 more transcripts); c.939C>T (NM_001328.2).
Identifiers: ClinVar variation 1675944 (VCV001675944.40), dbSNP rs760425578, ClinGen allele CA2804237.
Genomic context (GRCh38, chr4:1,213,560, plus strand): 5'-CCGTGCCGCCTCCTCTCGCATCTCGATGGATGCCTGCTCGCTGTACCATGCAGCATGGGG[G>A]GTGCAGATGAGGTTGGGTGCATCCTTCAGAGGGCCCTGGCTAAAGCTGGGAACAGCACAG-3'
Protein context (NP_001012632.1, residues 292-312): PLKDAPNLIC[Thr302=]PHAAWYSEQA

ClinVar aggregate classification (germline): Likely benign. Review status: criteria provided, multiple submitters, no conflicts (2 of 4 stars). 4 submissions from 4 submitters: Likely benign (3). 1 of the submissions does not count toward it. Last evaluated 2025-03-17.

Conditions:
CTBP1-related disorder. Also called: CTBP1-related condition.

Allele frequency attached by ClinVar (database versions not stated): TOPMed 0.00002; ExAC 0.00004; gnomAD exomes 0.00004 and 0.00006; gnomAD 0.00005.

Submissions (4):

Labcorp Genetics (formerly Invitae), Labcorp
Classification: Likely benign. Last evaluated: 2025-03-17. Review status: criteria provided, single submitter. Criteria: Invitae Variant Classification Sherloc (09022015). Collection method: clinical testing. Allele origin: germline.

CeGaT Center for Human Genetics Tuebingen
Classification: Likely benign. Last evaluated: 2024-02-01. Review status: criteria provided, single submitter. Criteria: CeGaT Center For Human Genetics Tuebingen Variant Classification Criteria Version 2. Collection method: clinical testing. Allele origin: germline. Affected: yes. Observed: 3 variant alleles.
Comment: CTBP1: BP4, BP7

Breakthrough Genomics
Classification: Likely benign. Review status: criteria provided, single submitter. Criteria: ACMG Guidelines, 2015. Collection method: not provided. Allele origin: germline. Inheritance: Autosomal dominant inheritance. Affected: yes.

PreventionGenetics, part of Exact Sciences
Classification: Likely benign for CTBP1-related condition. Last evaluated: 2019-02-21. Review status: no assertion criteria provided. Collection method: clinical testing. Allele origin: germline. Not counted in ClinVar's aggregate classification.
Comment: This variant is classified as likely benign based on ACMG/AMP sequence variant interpretation guidelines (Richards et al. 2015 PMID: 25741868, with internal and published modifications).